The following is an entry in ClinVar:

NM_001375808.2(LPIN2):c.650C>G (p.Ser217Cys)

Gene: LPIN2 (lipin 2; minus strand). Cytogenetic location: 18p11.31.
Variant type: single nucleotide variant.
Coding change: c.650C>G on transcript NM_001375808.2 (MANE Select); coding-DNA position 650, C replaced by G.
Protein change: p.Ser217Cys; replaces serine 217 with cysteine.
Molecular consequence: missense variant.
Genome position (GRCh38, 1-based): chr18:2,940,653, G>C on the plus strand (C>G on the coding strand, the complement: LPIN2 is on the minus strand). VCF-style: chr18-2940653-G-C. GRCh37 (hg19) VCF-style: chr18-2940651-G-C.
Other names: c.650C>G, p.Ser217Cys (NM_001375809.1, NM_014646.2); short protein forms S217C.
Identifiers: ClinVar variation 1355292 (VCV001355292.6), dbSNP rs2144209857, ClinGen allele CA401707786.
Genomic context (GRCh38, chr18:2,940,653, plus strand): 5'-AAAGATACTTACGTCTCTAAAGGGGACCAATCTCCATCAGATAAGGGGTAATGATCCCCA[G>C]AATGGAAGAGCAAAGGCTCTTTACATTCTTCTTCTTTCAAGGAAGCATTTGAAGATCCTC-3'
Protein context (NP_001362737.1, residues 207-227): EECKEPLLFH[Ser217Cys]GDHYPLSDGD

ClinVar aggregate classification (germline): Uncertain significance (1 of 4 stars; one submission).

Conditions:
Majeed syndrome (MJDS). Also called: LPIN2-Related Majeed Syndrome; CHRONIC RECURRENT MULTIFOCAL OSTEOMYELITIS 1, WITH CONGENITAL DYSERYTHROPOIETIC ANEMIA, WITH OR WITHOUT NEUTROPHILIC DERMATOSIS. Identifiers: Orphanet 77297, MedGen C1864997, MONDO:0012316, OMIM 609628.

Allele frequency attached by ClinVar (database versions not stated): gnomAD exomes 0.00001.
gnomAD v4.1: 3 of 1,613,446 alleles (0.00019%); highest among the groups gnomAD compares: Non-Finnish European, 0.00025%; no homozygotes.

Submission:

Labcorp Genetics (formerly Invitae), Labcorp
Classification: Uncertain significance for Majeed syndrome. Last evaluated: 2024-10-16. Review status: criteria provided, single submitter. Criteria: Invitae Variant Classification Sherloc (09022015). Collection method: clinical testing. Allele origin: germline.
Comment: This sequence change replaces serine, which is neutral and polar, with cysteine, which is neutral and slightly polar, at codon 217 of the LPIN2 protein (p.Ser217Cys). This variant is not present in population databases (gnomAD no frequency). This variant has not been reported in the literature in individuals affected with LPIN2-related conditions. ClinVar contains an entry for this variant (Variation ID: 1355292). Invitae Evidence Modeling of protein sequence and biophysical properties (such as structural, functional, and spatial information, amino acid conservation, physicochemical variation, residue mobility, and thermodynamic stability) has been performed for this missense variant. However, the output from this modeling did not meet the statistical confidence thresholds required to predict the impact of this variant on LPIN2 protein function. In summary, the available evidence is currently insufficient to determine the role of this variant in disease. Therefore, it has been classified as a Variant of Uncertain Significance.